The following is an entry in ClinVar:

ClinVar aggregate classification (germline): Uncertain significance. Review status: criteria provided, multiple submitters, no conflicts (2 of 4 stars). 2 submissions from 2 submitters: Uncertain significance (2). Last evaluated 2025-06-17.

Conditions:
Cardiomyopathy (CMYO). Also called: Cardiomyopathies. Identifiers: Orphanet 167848, MedGen C0878544, MONDO:0004994, HP:0001638. Inheritance: Various modes of inheritance.
Catecholaminergic polymorphic ventricular tachycardia 1. Also called: VENTRICULAR TACHYCARDIA, STRESS-INDUCED POLYMORPHIC 1; VENTRICULAR TACHYCARDIA, CATECHOLAMINERGIC POLYMORPHIC, 1, WITH OR WITHOUT ATRIAL DYSFUNCTION AND/OR DILATED CARDIOMYOPATHY; RYR2-Related Catecholaminergic Polymorphic Ventricular Tachycardia. Identifiers: Orphanet 3286, MedGen C1631597, MONDO:0011484, OMIM 604772.

Allele frequency attached by ClinVar (database versions not stated): gnomAD exomes below 0.00001.
gnomAD v4.1: 3 of 1,612,016 alleles (0.00019%); no homozygotes.

Submissions (2):

Color Diagnostics, LLC DBA Color Health
Classification: Uncertain significance for Cardiomyopathy. Last evaluated: 2025-06-17. Review status: criteria provided, single submitter. Criteria: ACMG Guidelines, 2015. Collection method: clinical testing. Allele origin: germline.
Comment: This missense variant replaces histidine with tyrosine at codon 630 of the RYR2 protein. Computational prediction is inconclusive regarding the impact of this variant on protein structure and function. To our knowledge, functional studies have not been reported for this variant. This variant has not been reported in individuals affected with RYR2-related disorders in the literature. This variant has been identified in 1/246132 chromosomes in the general population by the Genome Aggregation Database (gnomAD). The available evidence is insufficient to determine the role of this variant in disease conclusively. Therefore, this variant is classified as a Variant of Uncertain Significance.

Labcorp Genetics (formerly Invitae), Labcorp
Classification: Uncertain significance for Catecholaminergic polymorphic ventricular tachycardia 1. Last evaluated: 2022-08-13. Review status: criteria provided, single submitter. Criteria: Invitae Variant Classification Sherloc (09022015). Collection method: clinical testing. Allele origin: germline.
Comment: This sequence change replaces histidine, which is basic and polar, with tyrosine, which is neutral and polar, at codon 630 of the RYR2 protein (p.His630Tyr). In summary, the available evidence is currently insufficient to determine the role of this variant in disease. Therefore, it has been classified as a Variant of Uncertain Significance. Advanced modeling of protein sequence and biophysical properties (such as structural, functional, and spatial information, amino acid conservation, physicochemical variation, residue mobility, and thermodynamic stability) performed at Invitae indicates that this missense variant is not expected to disrupt RYR2 protein function. This variant has not been reported in the literature in individuals affected with RYR2-related conditions. This variant is present in population databases (no rsID available, gnomAD 0.01%).

NM_001035.3(RYR2):c.1888C>T (p.His630Tyr)

Gene: RYR2 (ryanodine receptor 2; plus strand). Cytogenetic location: 1q43.
Variant type: single nucleotide variant.
Coding change: c.1888C>T on transcript NM_001035.3 (MANE Select); coding-DNA position 1888, C replaced by T.
Protein change: p.His630Tyr; replaces histidine 630 with tyrosine.
Molecular consequence: missense variant.
Genome position (GRCh38, 1-based): chr1:237,493,014, C>T. VCF-style: chr1-237493014-C-T. GRCh37 (hg19) VCF-style: chr1-237656314-C-T.
Other names: short protein forms H630Y.
Identifiers: ClinVar variation 2055582 (VCV002055582.3), dbSNP rs1195734687, ClinGen allele CA345389497.
Genomic context (GRCh38, chr1:237,493,014, plus strand): 5'-GTTCTGGATGTCTTGTGCTCACTCTGTGTTTGCCACGGGGTTGCAGTCCGTTCTAACCAG[C>T]ATCTCATCTGTGACAATCTCCTACCAGGAAGAGACTTGTTATTGCAGACACGTCTTGTGA-3'
Protein context (NP_001026.2, residues 620-640): CHGVAVRSNQ[His630Tyr]LICDNLLPGR